The following is an entry in ClinVar:

NM_000426.4(LAMA2):c.9101A>G (p.Lys3034Arg)

Gene: LAMA2 (laminin subunit alpha 2; plus strand). Cytogenetic location: 6q22.33.
Variant type: single nucleotide variant.
Coding change: c.9101A>G on transcript NM_000426.4 (MANE Select); coding-DNA position 9101, A replaced by G.
Protein change: p.Lys3034Arg; replaces lysine 3034 with arginine.
Molecular consequence: missense variant.
Genome position (GRCh38, 1-based): chr6:129,514,485, A>G. VCF-style: chr6-129514485-A-G. GRCh37 (hg19) VCF-style: chr6-129835630-A-G.
Other names: c.9089A>G, p.Lys3030Arg (NM_001079823.2); short protein forms K3034R, K3030R.
Identifiers: ClinVar variation 645835 (VCV000645835.11), dbSNP rs1583957312, ClinGen allele CA365636936.

ClinVar aggregate classification (germline): Uncertain significance (1 of 4 stars; one submission).

Conditions:
LAMA2-related muscular dystrophy (LAMA2-RD). Also called: Laminin alpha 2-related dystrophy. Identifiers: MedGen C5679788, MONDO:0100228.

Submission:

Labcorp Genetics (formerly Invitae), Labcorp
Classification: Uncertain significance for LAMA2-related muscular dystrophy. Last evaluated: 2022-10-13. Review status: criteria provided, single submitter. Criteria: Invitae Variant Classification Sherloc (09022015). Collection method: clinical testing. Allele origin: germline.
Comment: ClinVar contains an entry for this variant (Variation ID: 645835). This variant has not been reported in the literature in individuals affected with LAMA2-related conditions. This variant is not present in population databases (gnomAD no frequency). This sequence change replaces lysine, which is basic and polar, with arginine, which is basic and polar, at codon 3034 of the LAMA2 protein (p.Lys3034Arg). Advanced modeling of protein sequence and biophysical properties (such as structural, functional, and spatial information, amino acid conservation, physicochemical variation, residue mobility, and thermodynamic stability) performed at Invitae indicates that this missense variant is not expected to disrupt LAMA2 protein function. In summary, the available evidence is currently insufficient to determine the role of this variant in disease. Therefore, it has been classified as a Variant of Uncertain Significance.